The following is an entry in ClinVar:

NM_006031.6(PCNT):c.5395A>T (p.Lys1799Ter)

Gene: PCNT (pericentrin; plus strand). Cytogenetic location: 21q22.3.
Variant type: single nucleotide variant.
Coding change: c.5395A>T on transcript NM_006031.6 (MANE Select); coding-DNA position 5395, A replaced by T.
Protein change: p.Lys1799Ter; replaces lysine 1799 with a stop codon.
Molecular consequence: nonsense.
Genome position (GRCh38, 1-based): chr21:46,411,468, A>T. VCF-style: chr21-46411468-A-T. GRCh37 (hg19) VCF-style: chr21-47831382-A-T.
Other names: c.5041A>T, p.Lys1681Ter (NM_001315529.2); short protein forms K1799*, K1681*.
Identifiers: ClinVar variation 489176 (VCV000489176.10), dbSNP rs199566483, ClinGen allele CA10079971.

ClinVar aggregate classification (germline): Pathogenic/Likely pathogenic. Review status: criteria provided, multiple submitters, no conflicts (2 of 4 stars). 3 submissions from 3 submitters: Pathogenic (1); Likely pathogenic (2). Last evaluated 2026-08-22.

Conditions:
PCNT-related disorder. Also called: PCNT-related condition.

Allele frequency attached by ClinVar (database versions not stated): ExAC 0.00001; gnomAD 0.00001; TOPMed 0.00001; gnomAD exomes 0.00002.
gnomAD v4.1: 24 of 1,610,274 alleles (0.0015%); highest among the groups gnomAD compares: Non-Finnish European, 0.0018%; no homozygotes.

Submissions (3):

GeneDx
Classification: Likely pathogenic. Last evaluated: 2026-08-22. Review status: criteria provided, single submitter. Criteria: GeneDx Variant Classification Process June 2021. Collection method: clinical testing. Allele origin: germline.
Comment: Nonsense variant predicted to result in protein truncation or nonsense mediated decay in a gene for which loss of function is a known mechanism of disease; Not observed at significant frequency in large population cohorts (gnomAD); Has not been previously published as pathogenic or benign to our knowledge

PreventionGenetics, part of Exact Sciences
Classification: Likely pathogenic for PCNT-related condition. Last evaluated: 2026-08-21. Review status: criteria provided, single submitter. Criteria: ACMG Guidelines, 2015. Collection method: clinical testing. Allele origin: germline.
Comment: The PCNT c.5395A>T variant is predicted to result in premature protein termination (p.Lys1799*). To our knowledge, this variant has not been reported in the literature. This variant is reported in 0.0041% of alleles in individuals of European (Non-Finnish) descent in gnomAD. Nonsense variants in PCNT are expected to be pathogenic. This variant is interpreted as likely pathogenic.

Labcorp Genetics (formerly Invitae), Labcorp
Classification: Pathogenic. Last evaluated: 2023-11-17. Review status: criteria provided, single submitter. Criteria: Invitae Variant Classification Sherloc (09022015). Collection method: clinical testing. Allele origin: germline.
Comment: This sequence change creates a premature translational stop signal (p.Lys1799*) in the PCNT gene. It is expected to result in an absent or disrupted protein product. Loss-of-function variants in PCNT are known to be pathogenic (PMID: 18174396, 22821869). This variant is present in population databases (rs199566483, gnomAD 0.005%). This variant has not been reported in the literature in individuals affected with PCNT-related conditions. ClinVar contains an entry for this variant (Variation ID: 489176). For these reasons, this variant has been classified as Pathogenic.

Literature cited by the submitters: PubMed 18174396 (cited by Labcorp Genetics (formerly Invitae), Labcorp); PubMed 22821869 (cited by Labcorp Genetics (formerly Invitae), Labcorp).